The following is an entry in ClinVar:

NM_001035.3(RYR2):c.1479A>C (p.Gly493=)

Gene: RYR2 (ryanodine receptor 2; plus strand). Cytogenetic location: 1q43.
Variant type: single nucleotide variant.
Coding change: c.1479A>C on transcript NM_001035.3 (MANE Select); coding-DNA position 1479, A replaced by C.
Protein change: p.Gly493=; no amino-acid change (glycine 493 retained).
Molecular consequence: synonymous variant.
Genome position (GRCh38, 1-based): chr1:237,456,602, A>C. VCF-style: chr1-237456602-A-C. GRCh37 (hg19) VCF-style: chr1-237619902-A-C.
Identifiers: ClinVar variation 672196 (VCV000672196.2), dbSNP rs1572409129, ClinGen allele CA423812870.

ClinVar aggregate classification (germline): Likely benign. Review status: criteria provided, multiple submitters, no conflicts (2 of 4 stars). 2 submissions from 2 submitters: Likely benign (2). Last evaluated 2024-03-31.

Conditions:
Cardiovascular phenotype. Identifiers: MedGen CN230736.

Allele frequency attached by ClinVar (database versions not stated): gnomAD exomes below 0.00001.
gnomAD v4.1: 1 of 1,501,338 alleles (0.000067%); highest among the groups gnomAD compares: Non-Finnish European, 0.00009%; no homozygotes.

Submissions (2):

Ambry Genetics
Classification: Likely benign for Cardiovascular phenotype. Last evaluated: 2024-03-31. Review status: criteria provided, single submitter. Criteria: Ambry Variant Classification Scheme 2023. Collection method: clinical testing. Allele origin: germline.

GeneDx
Classification: Likely benign. Last evaluated: 2018-06-15. Review status: criteria provided, single submitter. Criteria: GeneDx Variant Classification (06012015). Collection method: clinical testing. Allele origin: germline. Affected: yes.
Comment: This variant is considered likely benign or benign based on one or more of the following criteria: it is a conservative change, it occurs at a poorly conserved position in the protein, it is predicted to be benign by multiple in silico algorithms, and/or has population frequency not consistent with disease.